The following is an entry in ClinVar:

ClinVar aggregate classification (germline): Uncertain significance (1 of 4 stars; one submission).

Submission:

Labcorp Genetics (formerly Invitae), Labcorp
Classification: Uncertain significance. Last evaluated: 2022-03-19. Review status: criteria provided, single submitter. Criteria: Invitae Variant Classification Sherloc (09022015). Collection method: clinical testing. Allele origin: germline.
Comment: This sequence change replaces arginine with serine at codon 32 of the TIMM50 protein (p.Arg32Ser). The arginine residue is weakly conserved and there is a moderate physicochemical difference between arginine and serine. This variant is not present in population databases (gnomAD no frequency). This variant has not been reported in the literature in individuals affected with TIMM50-related conditions. Algorithms developed to predict the effect of missense changes on protein structure and function output the following: SIFT: "Not Available"; PolyPhen-2: "Possibly Damaging"; Align-GVGD: "Not Available". The serine amino acid residue is found in multiple mammalian species, which suggests that this missense change does not adversely affect protein function. In summary, the available evidence is currently insufficient to determine the role of this variant in disease. Therefore, it has been classified as a Variant of Uncertain Significance.

NC_000019.10:g.39480638C>A

Gene: TIMM50 (translocase of inner mitochondrial membrane 50; plus strand). Cytogenetic location: 19q13.2.
Variant type: single nucleotide variant.
Genome position: GRCh38 VCF-style: chr19-39480638-C-A. GRCh37 (hg19) VCF-style: chr19-39971278-C-A.
Identifiers: ClinVar variation 1481244 (VCV001481244.7), dbSNP rs2146145346, ClinGen allele CA405785239.